The following is an entry in ClinVar:

ClinVar aggregate classification (germline): Conflicting classifications of pathogenicity. Review status: criteria provided, conflicting classifications (1 of 4 stars). 3 submissions from 3 submitters: Uncertain significance (2); Likely benign (1). Last evaluated 2025-09-10.

Conditions:
Alstrom syndrome (ALMS). Identifiers: Orphanet 64, MedGen C0268425, MONDO:0008763, OMIM 203800.
Cardiovascular phenotype. Identifiers: MedGen CN230736.

Allele frequency attached by ClinVar (database versions not stated): TOPMed below 0.00001; gnomAD 0.00002; gnomAD exomes 0.00003; ExAC 0.00008.
gnomAD v4.1: 43 of 1,602,812 alleles (0.0027%); highest among the groups gnomAD compares: East Asian, 0.011%; 1 homozygote.

Submissions (3):

Labcorp Genetics (formerly Invitae), Labcorp
Classification: Uncertain significance for Alstrom syndrome. Last evaluated: 2025-09-10. Review status: criteria provided, single submitter. Criteria: Invitae Variant Classification Sherloc (09022015). Collection method: clinical testing. Allele origin: germline.
Comment: This sequence change replaces serine, which is neutral and polar, with leucine, which is neutral and non-polar, at codon 272 of the ALMS1 protein (p.Ser272Leu). This variant is present in population databases (rs769886473, gnomAD 0.05%), including at least one homozygous and/or hemizygous individual. This variant has not been reported in the literature in individuals affected with ALMS1-related conditions. ClinVar contains an entry for this variant (Variation ID: 1762210). Experimental studies and prediction algorithms are not available or were not evaluated, and the functional significance of this variant is currently unknown. In summary, the available evidence is currently insufficient to determine the role of this variant in disease. Therefore, it has been classified as a Variant of Uncertain Significance.

Ambry Genetics
Classification: Uncertain significance for Cardiovascular phenotype. Last evaluated: 2025-09-08. Review status: criteria provided, single submitter. Criteria: Ambry Variant Classification Scheme 2023. Collection method: clinical testing. Allele origin: germline.
Comment: The p.S272L variant (also known as c.815C>T), located in coding exon 5 of the ALMS1 gene, results from a C to T substitution at nucleotide position 815. The serine at codon 272 is replaced by leucine, an amino acid with dissimilar properties. This amino acid position is highly conserved in available vertebrate species. In addition, this alteration is predicted to be tolerated by in silico analysis. Based on the available evidence, the clinical significance of this variant remains unclear.

Blueprint Genetics
Classification: Likely benign. Last evaluated: 2024-06-03. Review status: criteria provided, single submitter. Criteria: ACMG Guidelines, 2015. Collection method: clinical testing. Allele origin: germline.

NM_001378454.1(ALMS1):c.812C>T (p.Ser271Leu)

Gene: ALMS1 (ALMS1 centrosome and basal body associated protein; plus strand). Cytogenetic location: 2p13.1.
Variant type: single nucleotide variant.
Coding change: c.812C>T on transcript NM_001378454.1 (MANE Select); coding-DNA position 812, C replaced by T.
Protein change: p.Ser271Leu; replaces serine 271 with leucine.
Molecular consequence: missense variant.
Genome position (GRCh38, 1-based): chr2:73,424,477, C>T. VCF-style: chr2-73424477-C-T. GRCh37 (hg19) VCF-style: chr2-73651605-C-T.
Other names: c.815C>T, p.Ser272Leu (NM_015120.4); short protein forms S271L, S272L.
Identifiers: ClinVar variation 1762210 (VCV001762210.8), dbSNP rs769886473, ClinGen allele CA1712991.